The following is an entry in ClinVar:

NM_001127644.2(GABRA1):c.875C>T (p.Thr292Ile)

Gene: GABRA1 (gamma-aminobutyric acid type A receptor subunit alpha1; plus strand). Cytogenetic location: 5q34.
Variant type: single nucleotide variant.
Coding change: c.875C>T on transcript NM_001127644.2 (MANE Select); coding-DNA position 875, C replaced by T.
Protein change: p.Thr292Ile; replaces threonine 292 with isoleucine.
Molecular consequence: missense variant.
Genome position (GRCh38, 1-based): chr5:161,895,684, C>T. VCF-style: chr5-161895684-C-T. GRCh37 (hg19) VCF-style: chr5-161322690-C-T.
Other names: c.875C>T, p.Thr292Ile (NM_000806.5, NM_001127643.2, NM_001127645.2 and 1 more transcripts); short protein forms T292I.
Identifiers: ClinVar variation 2925385 (VCV002925385.3), dbSNP rs2113464322, ClinGen allele CA362180103.
Genomic context (GRCh38, chr5:161,895,684, plus strand): 5'-AGTATGAACTGGCATCATGTATGTTTTTTTTTTTCTTTACAGGAGTAACAACTGTGCTCA[C>T]CATGACAACATTGAGCATCAGTGCCAGAAACTCCCTCCCTAAGGTGGCTTATGCAACAGC-3'
Protein context (NP_001121116.1, residues 282-302): RTVFGVTTVL[Thr292Ile]MTTLSISARN

ClinVar aggregate classification (germline): Pathogenic (1 of 4 stars; one submission).

Conditions:
Idiopathic generalized epilepsy. Also called: Generalised epilepsy; EIG. Identifiers: MedGen C0270850, MONDO:0005579, OMIM 600669.
Epilepsy, childhood absence 4 (ECA4). Also called: EPILEPSY, CHILDHOOD ABSENCE, SUSCEPTIBILITY TO, 4. Identifiers: Orphanet 307, MedGen C1970160.
Epilepsy, idiopathic generalized, susceptibility to, 13. Also called: EPILEPSY, JUVENILE MYOCLONIC, SUSCEPTIBILITY TO, 5. Identifiers: Orphanet 307, Orphanet 64280, MedGen C4013473, MONDO:0012627, OMIM 611136.

Submission:

Labcorp Genetics (formerly Invitae), Labcorp
Classification: Pathogenic for Epilepsy, childhood absence 4; Epilepsy, idiopathic generalized, susceptibility to, 13; Idiopathic generalized epilepsy. Last evaluated: 2024-10-23. Review status: criteria provided, single submitter. Criteria: Invitae Variant Classification Sherloc (09022015). Collection method: clinical testing. Allele origin: germline.
Comment: This sequence change replaces threonine, which is neutral and polar, with isoleucine, which is neutral and non-polar, at codon 292 of the GABRA1 protein (p.Thr292Ile). This variant is not present in population databases (gnomAD no frequency). This missense change has been observed in individual(s) with epileptic encephalopathy (PMID: 23934111). In at least one individual the variant was observed to be de novo. Invitae Evidence Modeling of protein sequence and biophysical properties (such as structural, functional, and spatial information, amino acid conservation, physicochemical variation, residue mobility, and thermodynamic stability) indicates that this missense variant is expected to disrupt GABRA1 protein function with a positive predictive value of 80%. For these reasons, this variant has been classified as Pathogenic.

Literature cited by the submitters: PubMed 23934111.